The following is an entry in ClinVar:

NM_000218.3(KCNQ1):c.494T>C (p.Val165Ala)

Gene: KCNQ1 (potassium voltage-gated channel subfamily Q member 1; plus strand). Cytogenetic location: 11p15.5.
Variant type: single nucleotide variant.
Coding change: c.494T>C on transcript NM_000218.3 (MANE Select); coding-DNA position 494, T replaced by C.
Protein change: p.Val165Ala; replaces valine 165 with alanine.
Molecular consequence: missense variant.
Genome position (GRCh38, 1-based): chr11:2,570,644, T>C. VCF-style: chr11-2570644-T-C. GRCh37 (hg19) VCF-style: chr11-2591874-T-C.
Other names: c.494T>C, p.Val165Ala (NM_001406836.1); c.224T>C, p.Val75Ala (NM_001406837.1); c.113T>C, p.Val38Ala (NM_181798.2); short protein forms V165A, V38A, V75A.
Identifiers: ClinVar variation 922039 (VCV000922039.12), dbSNP rs1848317004, ClinGen allele CA379129823.

ClinVar aggregate classification (germline): Uncertain significance. Review status: criteria provided, multiple submitters, no conflicts (2 of 4 stars). 2 submissions from 2 submitters: Uncertain significance (2). Last evaluated 2022-10-07.

Conditions:
Cardiac arrhythmia. Also called: Arrhythmia; Cardiac rhythm disease. Identifiers: MedGen C0003811, MONDO:0007263, HP:0011675.
Long QT syndrome (LQTS). Identifiers: MedGen C0023976, MeSH D008133, MONDO:0002442. Disease mechanism: loss of function. Inheritance: Various modes of inheritance.

Submissions (2):

Labcorp Genetics (formerly Invitae), Labcorp
Classification: Uncertain significance for Long QT syndrome. Last evaluated: 2022-10-07. Review status: criteria provided, single submitter. Criteria: Invitae Variant Classification Sherloc (09022015). Collection method: clinical testing. Allele origin: germline.
Comment: This variant has not been reported in the literature in individuals affected with KCNQ1-related conditions. This sequence change replaces valine, which is neutral and non-polar, with alanine, which is neutral and non-polar, at codon 165 of the KCNQ1 protein (p.Val165Ala). This variant is not present in population databases (gnomAD no frequency). ClinVar contains an entry for this variant (Variation ID: 922039). Advanced modeling of protein sequence and biophysical properties (such as structural, functional, and spatial information, amino acid conservation, physicochemical variation, residue mobility, and thermodynamic stability) performed at Invitae indicates that this missense variant is expected to disrupt KCNQ1 protein function. In summary, the available evidence is currently insufficient to determine the role of this variant in disease. Therefore, it has been classified as a Variant of Uncertain Significance.

Color Diagnostics, LLC DBA Color Health
Classification: Uncertain significance for Cardiac arrhythmia. Last evaluated: 2018-11-28. Review status: criteria provided, single submitter. Criteria: ACMG Guidelines, 2015. Collection method: clinical testing. Allele origin: germline.
Comment: Variant of Uncertain Significance due to insufficient evidence: This missense variant is located in the transmembrane domain S2 of the KCNQ1 protein. Computational prediction tools and conservation analyses suggest that this variant may have deleterious impact on the protein function. Computational splicing tools suggest that this variant may not impact RNA splicing. To our knowledge, functional assays have not been performed for this variant nor has this variant been reported in individuals affected with cardiovascular disorders in the literature. This variant is rare in the general population and has been identified in 0/277264 chromosomes by the Genome Aggregation Database (gnomAD). Available evidence is insufficient to determine the pathogenicity of this variant conclusively.